The following is an entry in ClinVar:

ClinVar aggregate classification (germline): Uncertain significance. Review status: criteria provided, multiple submitters, no conflicts (2 of 4 stars). 2 submissions from 2 submitters: Uncertain significance (2). Last evaluated 2021-09-20.

Conditions:
Dilated cardiomyopathy 1KK (CMD1KK). Identifiers: Orphanet 154, Orphanet 75249, MedGen C3714995, MONDO:0014100, OMIM 615248.
MYPN-related myopathy (CMYO24). Also called: Nemaline myopathy 11, autosomal recessive. Identifiers: MedGen C4479186, MONDO:0015023, OMIM 617336.

Allele frequency attached by ClinVar (database versions not stated): gnomAD exomes below 0.00001; TOPMed 0.00001.

Submissions (2):

Fulgent Genetics
Classification: Uncertain significance for Dilated cardiomyopathy 1KK; MYPN-related myopathy. Last evaluated: 2021-09-20. Review status: criteria provided, single submitter. Criteria: ACMG Guidelines, 2015. Collection method: clinical testing. Allele origin: unknown.

GeneDx
Classification: Uncertain significance. Last evaluated: 2021-02-06. Review status: criteria provided, single submitter. Criteria: GeneDx Variant Classification Process June 2021. Collection method: clinical testing. Allele origin: germline. Affected: yes.
Comment: Not observed in large population cohorts (Lek et al., 2016); In silico analysis, which includes protein predictors and evolutionary conservation, supports that this variant does not alter protein structure/function; Has not been previously published as pathogenic or benign to our knowledge

NM_032578.4(MYPN):c.3825G>A (p.Met1275Ile)

Gene: MYPN (myopalladin; plus strand). Cytogenetic location: 10q21.3.
Variant type: single nucleotide variant.
Coding change: c.3825G>A on transcript NM_032578.4 (MANE Select); coding-DNA position 3825, G replaced by A.
Protein change: p.Met1275Ile; replaces methionine 1275 with isoleucine.
Molecular consequence: missense variant. On other transcripts: non-coding transcript variant (2).
Genome position (GRCh38, 1-based): chr10:68,210,317, G>A. VCF-style: chr10-68210317-G-A. GRCh37 (hg19) VCF-style: chr10-69970074-G-A.
Other names: c.3825G>A, p.Met1275Ile (NM_001256267.2); c.2943G>A, p.Met981Ile (NM_001256268.2); short protein forms M1275I, M981I.
Identifiers: ClinVar variation 1310752 (VCV001310752.3), dbSNP rs777519016, ClinGen allele CA208195144.